The following is an entry in ClinVar:

ClinVar aggregate classification (germline): Uncertain significance (1 of 4 stars; one submission).

gnomAD v4.1: 677 of 1,614,128 alleles (0.042%); highest among the groups gnomAD compares: Non-Finnish European, 0.055%; 1 homozygote.

Submission:

GeneDx
Classification: Uncertain significance. Last evaluated: 2024-10-02. Review status: criteria provided, single submitter. Criteria: GeneDx Variant Classification Process June 2021. Collection method: clinical testing. Allele origin: germline. Affected: yes.
Comment: Has not been previously published as pathogenic or benign to our knowledge; In silico analysis indicates that this missense variant does not alter protein structure/function

NM_021628.3(ALOXE3):c.514G>A (p.Ala172Thr)

Gene: ALOXE3 (arachidonate epidermal lipoxygenase 3; minus strand). Cytogenetic location: 17p13.1.
Variant type: single nucleotide variant.
Coding change: c.514G>A on transcript NM_021628.3 (MANE Select); coding-DNA position 514, G replaced by A.
Protein change: p.Ala172Thr; replaces alanine 172 with threonine.
Molecular consequence: missense variant.
Genome position (GRCh38, 1-based): chr17:8,114,978, C>T on the plus strand (G>A on the coding strand, the complement: ALOXE3 is on the minus strand). VCF-style: chr17-8114978-C-T. GRCh37 (hg19) VCF-style: chr17-8018296-C-T.
Other names: c.910G>A, p.Ala304Thr (NM_001165960.1); c.514G>A, p.Ala172Thr (NM_001369446.1); short protein forms A172T, A304T.
Identifiers: ClinVar variation 3776442 (VCV003776442.1).
Genomic context (GRCh38, chr17:8,114,978, plus strand): 5'-TCCCAAGCTTTAATCTTCACCTGTCACCCTGGTCTACACAAGTTGTCGTCTTTGTCAAGG[C>T]AAATTTCTTGTCTGACTCCATCTCCTGAAAGCTGTTGACGTCTACCATGCAGGGGAAGCC-3'
Protein context (NP_067641.2, residues 162-182): FQEMESDKKF[Ala172Thr]LTKTTTCVDQ